The following is an entry in ClinVar:

NM_000091.5(COL4A3):c.1447C>T (p.Pro483Ser)

Genes: MFF-DT (MFF divergent transcript; minus strand), COL4A3 (collagen type IV alpha 3 chain; plus strand). Cytogenetic location: 2q36.3.
Variant type: single nucleotide variant.
Coding change: c.1447C>T on transcript NM_000091.5 (MANE Select); coding-DNA position 1447, C replaced by T.
Protein change: p.Pro483Ser; replaces proline 483 with serine.
Molecular consequence: missense variant.
Genome position (GRCh38, 1-based): chr2:227,267,031, C>T. VCF-style: chr2-227267031-C-T. GRCh37 (hg19) VCF-style: chr2-228131747-C-T.
Other names: short protein forms P483S.
Identifiers: ClinVar variation 2985903 (VCV002985903.2), dbSNP rs2469657520, ClinGen allele CA350870315.

ClinVar aggregate classification (germline): Uncertain significance. Review status: criteria provided, multiple submitters, no conflicts (2 of 4 stars). 2 submissions from 2 submitters: Uncertain significance (2). Last evaluated 2024-05-27.

Conditions:
Hematuria, benign familial, 2 (BFH2). Identifiers: MedGen C5830421, MONDO:0958186, OMIM 620320.
Autosomal dominant Alport syndrome (ATS3A). Also called: Alport syndrome dominant type; Renal failure and sensorineural hearing loss; ALPORT SYNDROME 3A, AUTOSOMAL DOMINANT. Identifiers: Orphanet 63, Orphanet 88918, MedGen C5882663, MONDO:0007086, OMIM 104200.
Alport syndrome 3b, autosomal recessive. Identifiers: MedGen C5882699, MONDO:0957811, OMIM 620536.

Submissions (2):

Fulgent Genetics
Classification: Uncertain significance for Autosomal dominant Alport syndrome; Hematuria, benign familial, 2; Alport syndrome 3b, autosomal recessive. Last evaluated: 2024-05-27. Review status: criteria provided, single submitter. Criteria: ACMG Guidelines, 2015. Collection method: clinical testing. Allele origin: germline.

Labcorp Genetics (formerly Invitae), Labcorp
Classification: Uncertain significance. Last evaluated: 2023-04-06. Review status: criteria provided, single submitter. Criteria: Invitae Variant Classification Sherloc (09022015). Collection method: clinical testing. Allele origin: germline.
Comment: This sequence change replaces proline, which is neutral and non-polar, with serine, which is neutral and polar, at codon 483 of the COL4A3 protein (p.Pro483Ser). In summary, the available evidence is currently insufficient to determine the role of this variant in disease. Therefore, it has been classified as a Variant of Uncertain Significance. Advanced modeling of protein sequence and biophysical properties (such as structural, functional, and spatial information, amino acid conservation, physicochemical variation, residue mobility, and thermodynamic stability) has been performed at Invitae for this missense variant, however the output from this modeling did not meet the statistical confidence thresholds required to predict the impact of this variant on COL4A3 protein function. This variant has not been reported in the literature in individuals affected with COL4A3-related conditions. This variant is not present in population databases (gnomAD no frequency).